The following is an entry in ClinVar:

ClinVar aggregate classification (germline): Conflicting classifications of pathogenicity. Review status: criteria provided, conflicting classifications (1 of 4 stars). 3 submissions from 3 submitters: Likely pathogenic (1); Uncertain significance (2). Last evaluated 2026-06-16.

Conditions:
PMM2-congenital disorder of glycosylation. Also called: Congenital disorder of glycosylation, type Ia; PHOSPHOMANNOMUTASE 2 DEFICIENCY; CARBOHYDRATE-DEFICIENT GLYCOPROTEIN SYNDROME, TYPE Ia; CDG Ia; JAEKEN SYNDROME; PMM2-CDG. Identifiers: Orphanet 79318, MedGen C0349653, MONDO:0008907, OMIM 212065.

gnomAD v4.1: 16 of 1,566,774 alleles (0.001%); highest among the groups gnomAD compares: Non-Finnish European, 0.0014%; no homozygotes.

Submissions (3):

Myriad Genetics, Inc.
Classification: Uncertain significance for PMM2-congenital disorder of glycosylation. Last evaluated: 2026-06-16. Review status: criteria provided, single submitter. Criteria: Myriad Autosomal Dominant, Autosomal Recessive and X-Linked Classification Criteria (2023). Collection method: clinical testing. Allele origin: unknown.
Comment: NM_000303.2(PMM2):c.430T>G(F144V) is a missense variant classified as a variant of uncertain significance in the context of congenital disorder of glycosylation, PMM2-related. F144V has not been observed in cases with relevant disease. Relevant functional assessments of this variant are not available in the literature. F144V has not been observed in referenced population frequency databases. In summary, there is insufficient evidence to classify NM_000303.2(PMM2):c.430T>G(F144V) as pathogenic or benign. Please note: this variant was assessed in the context of healthy population screening.

Women's Health and Genetics/Laboratory Corporation of America, LabCorp
Classification: Uncertain significance. Last evaluated: 2025-07-31. Review status: criteria provided, single submitter. Criteria: LabCorp Variant Classification Summary - May 2015. Collection method: clinical testing. Allele origin: germline.
Comment: Variant summary: PMM2 c.430T>G (p.Phe144Val) results in a non-conservative amino acid change in the encoded protein sequence. Algorithms developed to predict the effect of missense changes on protein structure and function all suggest that this variant is likely to be disruptive. The variant was absent in 188306 control chromosomes. The available data on variant occurrences in the general population are insufficient to allow any conclusion about variant significance. To our knowledge, no occurrence of c.430T>G in individuals affected with Congenital Disorder Of Glycosylation Type 1a and no experimental evidence demonstrating its impact on protein function have been reported. A different variant affecting the same codon has been classified as pathogenic by our lab (c.430T>C, p.Phe144Leu), supporting the critical relevance of codon 144 to PMM2 protein function. ClinVar contains an entry for this variant (Variation ID: 2185603). Based on the evidence outlined above, the variant was classified as uncertain significance.

Labcorp Genetics (formerly Invitae), Labcorp
Classification: Likely pathogenic for PMM2-congenital disorder of glycosylation. Last evaluated: 2022-03-04. Review status: criteria provided, single submitter. Criteria: Invitae Variant Classification Sherloc (09022015). Collection method: clinical testing. Allele origin: germline.
Comment: In summary, the currently available evidence indicates that the variant is pathogenic, but additional data are needed to prove that conclusively. Therefore, this variant has been classified as Likely Pathogenic. This variant disrupts the p.Phe144 amino acid residue in PMM2. Other variant(s) that disrupt this residue have been determined to be pathogenic (PMID: 10066032, 28122681, 30687093). This suggests that this residue is clinically significant, and that variants that disrupt this residue are likely to be disease-causing. Advanced modeling of protein sequence and biophysical properties (such as structural, functional, and spatial information, amino acid conservation, physicochemical variation, residue mobility, and thermodynamic stability) performed at Invitae indicates that this missense variant is expected to disrupt PMM2 protein function. This sequence change replaces phenylalanine, which is neutral and non-polar, with valine, which is neutral and non-polar, at codon 144 of the PMM2 protein (p.Phe144Val). This variant is not present in population databases (gnomAD no frequency). This variant has not been reported in the literature in individuals affected with PMM2-related conditions.

Literature cited by the submitters: PubMed 10066032 (cited by Labcorp Genetics (formerly Invitae), Labcorp); PubMed 28122681 (cited by Labcorp Genetics (formerly Invitae), Labcorp); PubMed 30687093 (cited by Labcorp Genetics (formerly Invitae), Labcorp).

NM_000303.3(PMM2):c.430T>G (p.Phe144Val)

Gene: PMM2 (phosphomannomutase 2; plus strand). Cytogenetic location: 16p13.2.
Variant type: single nucleotide variant.
Coding change: c.430T>G on transcript NM_000303.3 (MANE Select); coding-DNA position 430, T replaced by G.
Protein change: p.Phe144Val; replaces phenylalanine 144 with valine.
Molecular consequence: missense variant.
Genome position (GRCh38, 1-based): chr16:8,811,161, T>G. VCF-style: chr16-8811161-T-G. GRCh37 (hg19) VCF-style: chr16-8905018-T-G.
Other names: c.430T>G (NM_000303.2); short protein forms F144V.
Identifiers: ClinVar variation 2185603 (VCV002185603.7), dbSNP rs150719105, ClinGen allele CA394696672.
Genomic context (GRCh38, chr16:8,811,161, plus strand): 5'-AATGGGATGTTAAACGTGTCCCCTATTGGAAGAAGCTGCAGCCAAGAAGAACGCATTGAG[T>G]TCTACGAACTCGATAAAGTACGTCTTTCTGAAATATCTTTGGTGAATGGCTGGGTTTATG-3'
Protein context (NP_000294.1, residues 134-154): RSCSQEERIE[Phe144Val]YELDKKENIR